The following is an entry in ClinVar:

ClinVar aggregate classification (germline): Uncertain significance (1 of 4 stars; one submission).

Submission:

Labcorp Genetics (formerly Invitae), Labcorp
Classification: Uncertain significance. Last evaluated: 2020-02-15. Review status: criteria provided, single submitter. Criteria: Invitae Variant Classification Sherloc (09022015). Collection method: clinical testing. Allele origin: germline.
Comment: In summary, the available evidence is currently insufficient to determine the role of this variant in disease. Therefore, it has been classified as a Variant of Uncertain Significance. Algorithms developed to predict the effect of missense changes on protein structure and function (SIFT, PolyPhen-2, Align-GVGD) all suggest that this variant is likely to be disruptive, but these predictions have not been confirmed by published functional studies and their clinical significance is uncertain. This variant has not been reported in the literature in individuals with CNGB3-related conditions. This variant is not present in population databases (ExAC no frequency). This sequence change replaces asparagine with lysine at codon 602 of the CNGB3 protein (p.Asn602Lys). The asparagine residue is highly conserved and there is a moderate physicochemical difference between asparagine and lysine.

NM_019098.5(CNGB3):c.1806C>A (p.Asn602Lys)

Gene: CNGB3 (cyclic nucleotide gated channel subunit beta 3; minus strand). Cytogenetic location: 8q21.3.
Variant type: single nucleotide variant.
Coding change: c.1806C>A on transcript NM_019098.5 (MANE Select); coding-DNA position 1806, C replaced by A.
Protein change: p.Asn602Lys; replaces asparagine 602 with lysine.
Molecular consequence: missense variant.
Genome position (GRCh38, 1-based): chr8:86,579,228, G>T on the plus strand (C>A on the coding strand, the complement: CNGB3 is on the minus strand). VCF-style: chr8-86579228-G-T. GRCh37 (hg19) VCF-style: chr8-87591456-G-T.
Other names: short protein forms N602K.
Identifiers: ClinVar variation 963533 (VCV000963533.9), dbSNP rs769171325, ClinGen allele CA371448002.